The following is an entry in ClinVar:

ClinVar aggregate classification (germline): Uncertain significance (1 of 4 stars; one submission).

Conditions:
Autosomal dominant nocturnal frontal lobe epilepsy 5. Also called: CILIARY DYSKINESIA, PRIMARY, 28, WITHOUT SITUS INVERSUS; CILIARY DYSKINESIA, PRIMARY, 28, WITH SITUS INVERSUS; KCNT1-Related Epilepsy; Epilepsy, nocturnal frontal lobe, 5. Identifiers: Orphanet 98784, MedGen C3554306, MONDO:0014002, OMIM 615005.
Developmental and epileptic encephalopathy, 14 (DEE14). Also called: Early infantile epileptic encephalopathy 14. Identifiers: Orphanet 293181, MedGen C3554195, MONDO:0013989, OMIM 614959.

Submission:

Labcorp Genetics (formerly Invitae), Labcorp
Classification: Uncertain significance for Autosomal dominant nocturnal frontal lobe epilepsy 5; Developmental and epileptic encephalopathy, 14. Last evaluated: 2025-06-27. Review status: criteria provided, single submitter. Criteria: Invitae Variant Classification Sherloc (09022015). Collection method: clinical testing. Allele origin: germline.
Comment: This sequence change replaces threonine, which is neutral and polar, with asparagine, which is neutral and polar, at codon 1165 of the KCNT1 protein (p.Thr1165Asn). This variant is not present in population databases (gnomAD no frequency). This variant has not been reported in the literature in individuals affected with KCNT1-related conditions. Invitae Evidence Modeling of protein sequence and biophysical properties (such as structural, functional, and spatial information, amino acid conservation, physicochemical variation, residue mobility, and thermodynamic stability) indicates that this missense variant is not expected to disrupt KCNT1 protein function with a negative predictive value of 80%. In summary, the available evidence is currently insufficient to determine the role of this variant in disease. Therefore, it has been classified as a Variant of Uncertain Significance.

NM_020822.3(KCNT1):c.3494C>A (p.Thr1165Asn)

Gene: KCNT1 (potassium sodium-activated channel subfamily T member 1; plus strand). Cytogenetic location: 9q34.3.
Variant type: single nucleotide variant.
Coding change: c.3494C>A on transcript NM_020822.3 (MANE Select); coding-DNA position 3494, C replaced by A.
Protein change: p.Thr1165Asn; replaces threonine 1165 with asparagine.
Molecular consequence: missense variant.
Genome position (GRCh38, 1-based): chr9:135,786,513, C>A. VCF-style: chr9-135786513-C-A. GRCh37 (hg19) VCF-style: chr9-138678359-C-A.
Other names: c.3359C>A, p.Thr1120Asn (NM_001272003.2); short protein forms T1120N, T1165N.
Identifiers: ClinVar variation 4788796 (VCV004788796.1).